The following is an entry in ClinVar:

NM_002547.3(OPHN1):c.718T>G (p.Ser240Ala)

Gene: OPHN1 (oligophrenin 1; minus strand). Cytogenetic location: Xq12.
Variant type: single nucleotide variant.
Coding change: c.718T>G on transcript NM_002547.3 (MANE Select); coding-DNA position 718, T replaced by G.
Protein change: p.Ser240Ala; replaces serine 240 with alanine.
Molecular consequence: missense variant.
Genome position (GRCh38, 1-based): chrX:68,210,267, A>C on the plus strand (T>G on the coding strand, the complement: OPHN1 is on the minus strand). VCF-style: chrX-68210267-A-C. GRCh37 (hg19) VCF-style: chrX-67430109-A-C.
Other names: c.718T>G, p.Ser240Ala (NM_001437258.1); short protein forms S240A.
Identifiers: ClinVar variation 4532755 (VCV004532755.1).

ClinVar aggregate classification (germline): Uncertain significance (1 of 4 stars; one submission).

Submission:

GeneDx
Classification: Uncertain significance. Last evaluated: 2025-05-31. Review status: criteria provided, single submitter. Criteria: GeneDx Variant Classification Process June 2021. Collection method: clinical testing. Allele origin: germline. Affected: yes.
Comment: Not observed at significant frequency in large population cohorts (gnomAD); In silico analysis suggests that this missense variant does not alter protein structure/function; Has not been previously published as pathogenic or benign to our knowledge